The following is an entry in ClinVar:

NM_144643.4(SCLT1):c.794C>G (p.Ser265Cys)

Gene: SCLT1 (sodium channel and clathrin linker 1; minus strand). Cytogenetic location: 4q28.2.
Variant type: single nucleotide variant.
Coding change: c.794C>G on transcript NM_144643.4 (MANE Select); coding-DNA position 794, C replaced by G.
Protein change: p.Ser265Cys; replaces serine 265 with cysteine.
Molecular consequence: missense variant.
Genome position (GRCh38, 1-based): chr4:128,965,302, G>C on the plus strand (C>G on the coding strand, the complement: SCLT1 is on the minus strand). VCF-style: chr4-128965302-G-C. GRCh37 (hg19) VCF-style: chr4-129886457-G-C.
Other names: short protein forms S265C.
Identifiers: ClinVar variation 1384568 (VCV001384568.8), dbSNP rs2126023568, ClinGen allele CA358189154.

ClinVar aggregate classification (germline): Uncertain significance (1 of 4 stars; one submission).

Submission:

Labcorp Genetics (formerly Invitae), Labcorp
Classification: Uncertain significance. Last evaluated: 2021-04-03. Review status: criteria provided, single submitter. Criteria: Invitae Variant Classification Sherloc (09022015). Collection method: clinical testing. Allele origin: germline.
Comment: This variant has not been reported in the literature in individuals with SCLT1-related conditions. This variant is not present in population databases (ExAC no frequency). This sequence change replaces serine with cysteine at codon 265 of the SCLT1 protein (p.Ser265Cys). The serine residue is highly conserved and there is a moderate physicochemical difference between serine and cysteine. In summary, the available evidence is currently insufficient to determine the role of this variant in disease. Therefore, it has been classified as a Variant of Uncertain Significance. Algorithms developed to predict the effect of missense changes on protein structure and function are either unavailable or do not agree on the potential impact of this missense change (SIFT: "Deleterious"; PolyPhen-2: "Possibly Damaging"; Align-GVGD: "Class C15").